The following is an entry in ClinVar:

NM_181523.3(PIK3R1):c.978G>C (p.Met326Ile)

Gene: PIK3R1 (phosphoinositide-3-kinase regulatory subunit 1; plus strand). Cytogenetic location: 5q13.1.
Variant type: single nucleotide variant.
Coding change: c.978G>C on transcript NM_181523.3 (MANE Select); coding-DNA position 978, G replaced by C.
Protein change: p.Met326Ile; replaces methionine 326 with isoleucine.
Molecular consequence: missense variant.
Genome position (GRCh38, 1-based): chr5:68,292,320, G>C. VCF-style: chr5-68292320-G-C. GRCh37 (hg19) VCF-style: chr5-67588148-G-C.
Other names: NM_181523.3(PIK3R1):c.978G>C; p.Met326Ile; c.168G>C, p.Met56Ile (NM_181504.4); c.78G>C, p.Met26Ile (NM_181524.2); short protein forms M26I, M326I, M56I.
Identifiers: ClinVar variation 1624912 (VCV001624912.10), dbSNP rs3730089, ClinGen allele CA359878372.

ClinVar aggregate classification (germline): Uncertain significance. Review status: reviewed by expert panel (3 of 4 stars). 3 submissions from 3 submitters: Uncertain significance (1). 2 of the submissions do not count toward it. Last evaluated 2026-05-19.

Conditions:
PIK3R1-related immunodeficiency and SHORT syndrome. Identifiers: MedGen CN379774, MONDO:1060136.
SHORT syndrome. Also called: LIPODYSTROPHY, PARTIAL, WITH RIEGER ANOMALY AND SHORT STATURE; SHORT STATURE, HYPEREXTENSIBILITY, HERNIA, OCULAR DEPRESSION, RIEGER ANOMALY, AND TEETHING DELAY; PIK3R1-Related SHORT Syndrome. Identifiers: Orphanet 3163, MedGen C0878684, MONDO:0010026, OMIM 269880.
Immunodeficiency 36 with lymphoproliferation. Also called: ACTIVATED PI3K-DELTA SYNDROME 2; Activated PI3K Delta Syndrome Type 2 (APDS2); Immunodeficiency 36. Identifiers: Orphanet 397596, Orphanet 693681, MedGen C4014934, MONDO:0014453, OMIM 616005.
Agammaglobulinemia 7, autosomal recessive (AGM7). Also called: AGAMMAGLOBULINEMIA, AUTOSOMAL RECESSIVE, DUE TO PIK3R1 DEFECT. Identifiers: MedGen C3554689, MONDO:0014083, OMIM 615214.

Submissions (3):

ClinGen Primary Immune Regulatory Disorders Variant Curation Expert Panel, ClinGen
Classification: Uncertain significance for PIK3R1-related immunodeficiency and SHORT syndrome. Last evaluated: 2026-05-19. Review status: reviewed by expert panel. Criteria: ClinGen AbDef ACMG Specifications PIK3R1 V1.0.0. Collection method: curation. Allele origin: germline. Inheritance: Autosomal dominant inheritance.
Comment: NM_181523.3(PIK3R1):c.978G>C (p.Met326Ile) is a missense variant causing substitution of methionine by isoleucine at amino acid 326. Another missense variant encoding the same amino acid change, NM_181523.3(PIK3R1):c.978G>A (p.Met326Ile), has been classified as benign for PIK3R1-related immunodeficiency with SHORT syndrome by the ClinGen Antibody Deficiencies VCEP, so PS1 is not met. This variant is absent from gnomAD v4.1.0 (PM2_Supporting). The computational predictor REVEL gives a score of 0.107, which is below the ClinGen Antibody Deficiencies VCEP threshold of <0.290 and predicts a non-damaging effect on PIK3R1 function. The computational predictor CADD gives a PHRED score of 21.4, which is below the ClinGen Antibody Deficiencies VCEP threshold of <21.5 and predicts a non-deleterious effect on PIK3R1 function. The two predictors agree on a non-damaging effect. Additionally, the splicing impact predictor SpliceAI gives a donor loss score of 0.06 for donor loss, which is below the ClinGen Antibody Deficiencies VCEP recommended threshold of <0.1 and does not predict an impact on splicing (BP4). No cases of the variant segregating in PIK3R1-related immunodeficiency and SHORT syndrome were found in the literature. In summary, this variant meets the criteria to be classified as a variant of uncertain significance for autosomal dominant PIK3R1-related immunodeficiency and SHORT syndrome based on the ACMG/AMP criteria applied, as specified by the ClinGen Antibody Deficiencies VCEP: PM2_Supporting and BP4. (VCEP specifications version 1.0.0; date of approval 04/29/2026).

Labcorp Genetics (formerly Invitae), Labcorp
Classification: Likely benign for SHORT syndrome; Immunodeficiency 36 with lymphoproliferation; Agammaglobulinemia 7, autosomal recessive. Last evaluated: 2021-03-29. Review status: criteria provided, single submitter. Criteria: Invitae Variant Classification Sherloc (09022015). Collection method: clinical testing. Allele origin: germline. Not counted in ClinVar's aggregate classification.

Blueprint Genetics
Classification: Uncertain significance. Last evaluated: 2020-02-13. Review status: criteria provided, single submitter. Criteria: ACMG Guidelines, 2015. Collection method: clinical testing. Allele origin: germline. Not counted in ClinVar's aggregate classification.